The following is an entry in ClinVar:

ClinVar aggregate classification (germline): Uncertain significance (1 of 4 stars; one submission).

Allele frequency attached by ClinVar (database versions not stated): gnomAD exomes below 0.00001.

Submission:

Labcorp Genetics (formerly Invitae), Labcorp
Classification: Uncertain significance. Last evaluated: 2022-05-31. Review status: criteria provided, single submitter. Criteria: Invitae Variant Classification Sherloc (09022015). Collection method: clinical testing. Allele origin: germline.
Comment: This variant is not present in population databases (gnomAD no frequency). This sequence change replaces arginine, which is basic and polar, with cysteine, which is neutral and slightly polar, at codon 157 of the BRWD3 protein (p.Arg157Cys). This variant has not been reported in the literature in individuals affected with BRWD3-related conditions. Advanced modeling of protein sequence and biophysical properties (such as structural, functional, and spatial information, amino acid conservation, physicochemical variation, residue mobility, and thermodynamic stability) performed at Invitae indicates that this missense variant is expected to disrupt BRWD3 protein function. In summary, the available evidence is currently insufficient to determine the role of this variant in disease. Therefore, it has been classified as a Variant of Uncertain Significance.

NM_153252.5(BRWD3):c.469C>T (p.Arg157Cys)

Gene: BRWD3 (bromodomain and WD repeat domain containing 3; minus strand). Cytogenetic location: Xq21.1.
Variant type: single nucleotide variant.
Coding change: c.469C>T on transcript NM_153252.5 (MANE Select); coding-DNA position 469, C replaced by T.
Protein change: p.Arg157Cys; replaces arginine 157 with cysteine.
Molecular consequence: missense variant.
Genome position (GRCh38, 1-based): chrX:80,745,691, G>A on the plus strand (C>T on the coding strand, the complement: BRWD3 is on the minus strand). VCF-style: chrX-80745691-G-A. GRCh37 (hg19) VCF-style: chrX-80001190-G-A.
Other names: short protein forms R157C.
Identifiers: ClinVar variation 2100430 (VCV002100430.4), dbSNP rs1201274527, ClinGen allele CA413607631.